The following is an entry in ClinVar:

ClinVar aggregate classification (germline): Pathogenic. Review status: reviewed by expert panel (3 of 4 stars). 16 submissions from 16 submitters: Pathogenic (1). 15 of the submissions do not count toward it. Last evaluated 2016-09-08.

Conditions:
Inherited breast cancer and ovarian cancer.
Breast and/or ovarian cancer. Identifiers: MedGen CN221562.
Hereditary cancer-predisposing syndrome. Also called: Hereditary neoplastic syndrome; Neoplastic Syndromes, Hereditary; Hereditary Cancer Syndrome; Tumor predisposition. Identifiers: Orphanet 140162, MedGen C0027672, MeSH D009386, MONDO:0015356.
Hereditary breast ovarian cancer syndrome. Also called: Hereditary breast and ovarian cancer; BRCA1- and BRCA2-Associated Hereditary Breast and Ovarian Cancer; Hereditary breast and/or ovarian cancer syndrome; Hereditary breast and ovarian cancer syndrome; Hereditary breast and ovarian cancer syndrome (HBOC); Breast and ovarian cancer. Identifiers: Orphanet 145, MedGen C0677776, MeSH D061325, MONDO:0003582. Disease mechanism: loss of function.
Breast-ovarian cancer, familial, susceptibility to, 2 (BROVCA2). Also called: BRCA2 Hereditary Breast and Ovarian Cancer. Identifiers: Orphanet 145, MedGen C2675520, MONDO:0012933, OMIM 612555. Disease mechanism: loss of function.
Familial cancer of breast. Also called: BREAST CANCER, FAMILIAL; hereditary breast carcinoma; Hereditary breast cancer. Identifiers: Orphanet 227535, MedGen C0346153, MONDO:0016419, OMIM 114480. Disease mechanism: loss of function.

Submissions (16):

Evidence-based Network for the Interpretation of Germline Mutant Alleles (ENIGMA)
Classification: Pathogenic for Breast-ovarian cancer, familial, susceptibility to, 2. Last evaluated: 2016-09-08. Review status: reviewed by expert panel. Criteria: ENIGMA BRCA1/2 Classification Criteria (2015). Collection method: curation. Allele origin: germline.
Comment: Variant allele predicted to encode a truncated non-functional protein.

Dasa
Classification: Pathogenic. Last evaluated: 2026-01-21. Review status: criteria provided, single submitter. Criteria: DASA Assertion Criteria. Collection method: clinical testing. Allele origin: germline. Not counted in ClinVar's aggregate classification.
Comment: NM_000059.4(BRCA2):c.5656C>T (p.Gln1886*) introduces a premature termination codon predicted to result in loss of normal protein function. Loss-of-function is an established mechanism of disease for this gene. This variant has been recurrently observed in individuals with related phenotype (PMID: 36720553; PMID: 22798144; PMID: 30309222; PMID: 29446198). The variant is present at low frequency in population datasets. Based on the available data, this variant is classified as pathogenic.

Labcorp Genetics (formerly Invitae), Labcorp
Classification: Pathogenic for Hereditary breast ovarian cancer syndrome. Last evaluated: 2025-07-30. Review status: criteria provided, single submitter. Criteria: Invitae Variant Classification Sherloc (09022015). Collection method: clinical testing. Allele origin: germline. Not counted in ClinVar's aggregate classification.
Comment: This sequence change creates a premature translational stop signal (p.Gln1886*) in the BRCA2 gene. It is expected to result in an absent or disrupted protein product. Loss-of-function variants in BRCA2 are known to be pathogenic (PMID: 20104584). This variant is not present in population databases (gnomAD no frequency). This premature translational stop signal has been observed in individual(s) with breast cancer (PMID: 19656164, 29446198). ClinVar contains an entry for this variant (Variation ID: 51900). For these reasons, this variant has been classified as Pathogenic.

Cambridge Genomics Laboratory, East Genomic Laboratory Hub, NHS Genomic Medicine Service
Classification: Pathogenic for Inherited breast cancer and ovarian cancer. Last evaluated: 2025-02-06. Review status: criteria provided, single submitter. Criteria: ACGS Best Practice Guidelines for Variant Classification in Rare Disease 2020. Collection method: clinical testing. Allele origin: germline. Affected: yes. Not counted in ClinVar's aggregate classification.
Comment: PVS1,PM2,PM5_Strong

Ambry Genetics
Classification: Pathogenic for Hereditary cancer-predisposing syndrome. Last evaluated: 2025-01-22. Review status: criteria provided, single submitter. Criteria: Ambry Variant Classification Scheme 2023. Collection method: clinical testing. Allele origin: germline. Not counted in ClinVar's aggregate classification.
Comment: The p.Q1886* pathogenic mutation (also known as c.5656C>T), located in coding exon 10 of the BRCA2 gene, results from a C to T substitution at nucleotide position 5656. This changes the amino acid from a glutamine to a stop codon within coding exon 10. In addition to the clinical data presented in the literature, this alteration is expected to result in loss of function by premature protein truncation or nonsense-mediated mRNA decay. As such, this alteration is interpreted as a disease-causing mutation.

Women's Health and Genetics/Laboratory Corporation of America, LabCorp
Classification: Pathogenic for Hereditary breast ovarian cancer syndrome. Last evaluated: 2023-08-07. Review status: criteria provided, single submitter. Criteria: LabCorp Variant Classification Summary - May 2015. Collection method: clinical testing. Allele origin: germline. Not counted in ClinVar's aggregate classification.
Comment: Variant summary: BRCA2 c.5656C>T (p.Gln1886X) results in a premature termination codon, predicted to cause a truncation of the encoded protein or absence of the protein due to nonsense mediated decay, which are commonly known mechanisms for disease. Variants downstream of this position have been classified as pathogenic by our laboratory. The variant was absent in 249626 control chromosomes. c.5656C>T has been reported in the literature in individuals affected with Hereditary Breast And Ovarian Cancer Syndrome (Seong_2009, Kang_2012, Kim_2012). These data indicate that the variant may be associated with disease. To our knowledge, no experimental evidence demonstrating an impact on protein function has been reported. The following publications have been ascertained in the context of this evaluation (PMID: 19656164, 22798144, 22438049). Seven submitters have cited clinical-significance assessments for this variant to ClinVar after 2014. All submitters classified the variant as pathogenic. Based on the evidence outlined above, the variant was classified as pathogenic.

Quest Diagnostics Nichols Institute San Juan Capistrano
Classification: Pathogenic. Last evaluated: 2023-07-05. Review status: criteria provided, single submitter. Criteria: Quest Diagnostics criteria. Collection method: clinical testing. Allele origin: unknown. Not counted in ClinVar's aggregate classification.
Comment: The BRCA2 c.5656C>T (p.Gln1886*) variant causes the premature termination of BRCA2 protein synthesis. This variant has been reported in the published literature in individuals with breast and/or ovarian cancer (PMID: 19656164 (2009), 22798144 (2012), 25863477 (2015), 30309222 (2019)). Analysis of this variant using software algorithms for the prediction of the effect of nucleotide changes on splicing yielded predictions that this variant does not affect BRCA2 mRNA splicing. Based on the available information, this variant is classified as pathogenic.

Color Diagnostics, LLC DBA Color Health
Classification: Pathogenic for Hereditary cancer-predisposing syndrome. Last evaluated: 2023-03-20. Review status: criteria provided, single submitter. Criteria: ACMG Guidelines, 2015. Collection method: clinical testing. Allele origin: germline. Not counted in ClinVar's aggregate classification.
Comment: This variant changes 1 nucleotide in exon 11 of the BRCA2 gene, creating a premature translation stop signal. This variant is expected to result in an absent or non-functional protein product. This variant has been reported in individuals affected with breast and ovarian cancer (PMID: 19656164, 22798144, 25863477, 30309222, 33471991; Leiden Open Variation Database DB-ID BRCA2_001603) and has been identified in 8 families among the CIMBA participants (PMID: 29446198). This variant has not been identified in the general population by the Genome Aggregation Database (gnomAD). Loss of BRCA2 function is a known mechanism of disease. Based on the available evidence, this variant is classified as Pathogenic.

Baylor Genetics
Classification: Pathogenic for Familial cancer of breast. Last evaluated: 2020-12-10. Review status: criteria provided, single submitter. Criteria: ACMG Guidelines, 2015. Collection method: clinical testing. Allele origin: unknown. Not counted in ClinVar's aggregate classification.

Institute of Human Genetics, University of Leipzig Medical Center
Classification: Pathogenic for Breast-ovarian cancer, familial, susceptibility to, 2. Last evaluated: 2018-04-16. Review status: criteria provided, single submitter. Criteria: ACMG Guidelines, 2015. Collection method: clinical testing. Allele origin: germline. Affected: yes. Observed: 1 variant allele. Not counted in ClinVar's aggregate classification.

GeneDx
Classification: Pathogenic. Last evaluated: 2017-12-06. Review status: criteria provided, single submitter. Criteria: GeneDx Variant Classification (06012015). Collection method: clinical testing. Allele origin: germline. Affected: yes. Not counted in ClinVar's aggregate classification.
Comment: This pathogenic variant is denoted BRCA2 c.5656C>T at the cDNA level and p.Gln1886Ter (Q1886X) at the protein level. The substitution creates a nonsense variant, which changes a Glutamine to a premature stop codon (CAA>TAA), and is predicted to cause loss of normal protein function through either protein truncation or nonsense-mediated mRNA decay. This variant, also known as BRCA2 5884C>T using alternate nomenclature, has been reported in Korean individuals with breast cancer (Seong 2009, Kim 2012, Kang 2015) and is considered pathogenic.

Consortium of Investigators of Modifiers of BRCA1/2 (CIMBA), c/o University of Cambridge
Classification: Pathogenic for Breast-ovarian cancer, familial, susceptibility to, 2. Last evaluated: 2015-10-02. Review status: criteria provided, single submitter. Criteria: CIMBA Mutation Classification guidelines May 2016. Collection method: clinical testing. Allele origin: germline. Not counted in ClinVar's aggregate classification.

Foulkes Cancer Genetics LDI, Lady Davis Institute for Medical Research
Classification: Pathogenic for Breast and/or ovarian cancer. Last evaluated: 2014-03-24. Review status: no assertion criteria provided. Collection method: clinical testing. Allele origin: germline. Study: The Canadian Open Genetics Repository (COGR). Not counted in ClinVar's aggregate classification.

Research Molecular Genetics Laboratory, Women's College Hospital, University of Toronto
Classification: Pathogenic for Hereditary breast ovarian cancer syndrome. Last evaluated: 2014-01-31. Review status: no assertion criteria provided. Collection method: research. Allele origin: germline. Affected: yes. Study: The Canadian Open Genetics Repository (COGR). Not counted in ClinVar's aggregate classification.

Breast Cancer Information Core (BIC) (BRCA2)
Classification: Pathogenic for Breast-ovarian cancer, familial 2. Last evaluated: 2000-08-16. Review status: no assertion criteria provided. Collection method: clinical testing. Allele origin: germline. Affected: yes. Observed: 2 variant alleles. Not counted in ClinVar's aggregate classification.

Department of Pathology and Laboratory Medicine, Sinai Health System
Classification: Pathogenic. Review status: no assertion criteria provided. Collection method: clinical testing. Allele origin: unknown. Affected: yes. Observed: 2 variant alleles. Study: The Canadian Open Genetics Repository (COGR). Not counted in ClinVar's aggregate classification.
Comment: The BRCA2 p.Gln1886X variant was identified in 5 of 8256 proband chromosomes (frequency: 0.001) from individuals with breast or ovarian cancer (Kim 2012, Seong 2009). The variant was also identified in dbSNP (ID: rs80358790) â€šÃ„ÃºWith untested alleleâ€šÃ„Ã¹, HGMD, LOVD, COSMIC, UMD (2X as a causal variant), and the BIC database (2X with clinical importance). The p.Gln1886X variant leads to a premature stop codon at position 1886, which is predicted to lead to a truncated or absent protein and loss of function. Loss of function variants of the BRCA2 gene are an established mechanism of disease in hereditary breast and ovarian cancer and is the type of variant expected to cause the disorder. In summary, based on the above information, this variant meets our laboratoryâ€šÃ„Ã´s criteria to be classified as pathogenic.

Literature cited by the submitters: PubMed 36720553 (cited by Dasa); PubMed 22798144 (cited by 5 submitters); PubMed 30309222 (cited by 3 submitters); PubMed 29446198 (cited by 3 submitters); PubMed 20104584 (cited by Labcorp Genetics (formerly Invitae), Labcorp); PubMed 19656164 (cited by 5 submitters); PubMed 22438049 (cited by Women's Health and Genetics/Laboratory Corporation of America, LabCorp); PubMed 25863477 (cited by Quest Diagnostics Nichols Institute San Juan Capistrano and Color Diagnostics, LLC DBA Color Health); PubMed 33471991 (cited by Color Diagnostics, LLC DBA Color Health).

NM_000059.4(BRCA2):c.5656C>T (p.Gln1886Ter)

Gene: BRCA2 (BRCA2 DNA repair associated; plus strand). Cytogenetic location: 13q13.1.
Variant type: single nucleotide variant.
Coding change: c.5656C>T on transcript NM_000059.4 (MANE Select); coding-DNA position 5656, C replaced by T.
Protein change: p.Gln1886Ter; replaces glutamine 1886 with a stop codon.
Molecular consequence: nonsense.
Genome position (GRCh38, 1-based): chr13:32,340,011, C>T. VCF-style: chr13-32340011-C-T. GRCh37 (hg19) VCF-style: chr13-32914148-C-T.
Other names: short protein forms Q1886*.
Identifiers: ClinVar variation 51900 (VCV000051900.27), dbSNP rs80358790, ClinGen allele CA022876.